The following is an entry in ClinVar:

NM_006080.3(SEMA3A):c.1644T>A (p.Thr548=)

Gene: SEMA3A (semaphorin 3A; minus strand). Cytogenetic location: 7q21.11.
Variant type: single nucleotide variant.
Coding change: c.1644T>A on transcript NM_006080.3 (MANE Select); coding-DNA position 1644, T replaced by A.
Protein change: p.Thr548=; no amino-acid change (threonine 548 retained).
Molecular consequence: synonymous variant.
Genome position (GRCh38, 1-based): chr7:83,981,329, A>T on the plus strand (T>A on the coding strand, the complement: SEMA3A is on the minus strand). VCF-style: chr7-83981329-A-T. GRCh37 (hg19) VCF-style: chr7-83610645-A-T.
Identifiers: ClinVar variation 733779 (VCV000733779.7), dbSNP rs376837957, ClinGen allele CA4322663.

ClinVar aggregate classification (germline): Likely benign. Review status: criteria provided, multiple submitters, no conflicts (2 of 4 stars). 3 submissions from 3 submitters: Likely benign (2). 1 of the submissions does not count toward it. Last evaluated 2025-10-26.

Conditions:
SEMA3A-related disorder. Also called: SEMA3A-related condition.

Allele frequency attached by ClinVar (database versions not stated): ESP Exome Variant Server 0.00008; gnomAD 0.00013; ExAC 0.00014; gnomAD exomes 0.00022; TOPMed 0.00040.
gnomAD v4.1: 508 of 1,613,790 alleles (0.031%); highest among the groups gnomAD compares: Admixed American, 0.08%; no homozygotes.

Submissions (3):

Labcorp Genetics (formerly Invitae), Labcorp
Classification: Likely benign. Last evaluated: 2025-10-26. Review status: criteria provided, single submitter. Criteria: Invitae Variant Classification Sherloc (09022015). Collection method: clinical testing. Allele origin: germline.

Women's Health and Genetics/Laboratory Corporation of America, LabCorp
Classification: Likely benign. Last evaluated: 2025-02-24. Review status: criteria provided, single submitter. Criteria: LabCorp Variant Classification Summary - May 2015. Collection method: clinical testing. Allele origin: germline.

PreventionGenetics, part of Exact Sciences
Classification: Likely benign for SEMA3A-related condition. Last evaluated: 2022-02-02. Review status: no assertion criteria provided. Collection method: clinical testing. Allele origin: germline. Not counted in ClinVar's aggregate classification.
Comment: This variant is classified as likely benign based on ACMG/AMP sequence variant interpretation guidelines (Richards et al. 2015 PMID: 25741868, with internal and published modifications).